The following is an entry in ClinVar:

NM_000268.4(NF2):c.1430C>G (p.Thr477Ser)

Gene: NF2 (NF2, moesin-ezrin-radixin like (MERLIN) tumor suppressor; plus strand). Cytogenetic location: 22q12.2.
Variant type: single nucleotide variant.
Coding change: c.1430C>G on transcript NM_000268.4 (MANE Select); coding-DNA position 1430, C replaced by G.
Protein change: p.Thr477Ser; replaces threonine 477 with serine.
Molecular consequence: missense variant. On other transcripts: non-coding transcript variant (1), intron variant (1).
Genome position (GRCh38, 1-based): chr22:29,674,925, C>G. VCF-style: chr22-29674925-C-G. GRCh37 (hg19) VCF-style: chr22-30070914-C-G.
Other names: c.1316C>G, p.Thr439Ser (NM_001407053.1, NM_001407056.1); c.1307C>G, p.Thr436Ser (NM_001407054.1, NM_001407058.1, NM_181829.3); c.1304C>G, p.Thr435Ser (NM_001407055.1, NM_181828.3); c.1295C>G, p.Thr432Ser (NM_001407057.1, NM_001407059.1); c.1430C>G, p.Thr477Ser (NM_001407060.1, NM_001407066.1, NM_016418.5 and 2 more transcripts); c.1172C>G, p.Thr391Ser (NM_001407062.1); c.1181C>G, p.Thr394Ser (NM_001407063.1, NM_001407064.1, NM_181830.3 and 1 more transcripts); c.896C>G, p.Thr299Ser (NM_001407065.1); and 2 more; short protein forms T299S, T391S, T394S, T400S, T432S, T435S, T436S, T439S.
Identifiers: ClinVar variation 4756348 (VCV004756348.2).

ClinVar aggregate classification (germline): Uncertain significance. Review status: criteria provided, multiple submitters, no conflicts (2 of 4 stars). 2 submissions from 2 submitters: Uncertain significance (2). Last evaluated 2026-07-06.

Conditions:
Neurofibromatosis, type 2 (SWNV). Also called: BILATERAL ACOUSTIC NEUROFIBROMATOSIS; SCHWANNOMATOSIS, VESTIBULAR; NF2-Related Schwannomatosis. Identifiers: Orphanet 637, MedGen C0027832, MONDO:0007039, OMIM 101000. Disease mechanism: loss of function.
Hereditary cancer-predisposing syndrome. Also called: Hereditary Cancer Syndrome; Hereditary neoplastic syndrome; Neoplastic Syndromes, Hereditary; Tumor predisposition. Identifiers: Orphanet 140162, MedGen C0027672, MeSH D009386, MONDO:0015356.

Submissions (2):

Ambry Genetics
Classification: Uncertain significance for Hereditary cancer-predisposing syndrome. Last evaluated: 2026-07-06. Review status: criteria provided, single submitter. Criteria: Ambry Variant Classification Scheme 2023. Collection method: clinical testing. Allele origin: germline.
Comment: The p.T477S variant (also known as c.1430C>G), located in coding exon 13 of the NF2 gene, results from a C to G substitution at nucleotide position 1430. The threonine at codon 477 is replaced by serine, an amino acid with similar properties. This amino acid position is conserved. In addition, this alteration is predicted to be tolerated by in silico analysis. Based on the available evidence, the clinical significance of this variant remains unclear.

Color Diagnostics, LLC DBA Color Health
Classification: Uncertain significance for Neurofibromatosis, type 2. Last evaluated: 2025-09-22. Review status: criteria provided, single submitter. Criteria: ACMG Guidelines, 2015. Collection method: clinical testing. Allele origin: germline.
Comment: This missense variant replaces threonine with serine at codon 477 of the NF2 protein. Computational prediction suggests that this variant may not impact protein structure and function. To our knowledge, functional studies have not been reported for this variant. This variant has not been reported in individuals affected with NF2-related disorders in the literature. This variant has not been identified in the general population by the Genome Aggregation Database (gnomAD). The available evidence is insufficient to determine the role of this variant in disease conclusively. Therefore, this variant is classified as a Variant of Uncertain Significance.